The following is an entry in ClinVar:

ClinVar aggregate classification (germline): Uncertain significance. Review status: criteria provided, multiple submitters, no conflicts (2 of 4 stars). 2 submissions from 2 submitters: Uncertain significance (2). Last evaluated 2026-07-16.

Allele frequency attached by ClinVar (database versions not stated): gnomAD 0.00001.

Submissions (2):

GeneDx
Classification: Uncertain significance. Last evaluated: 2026-07-16. Review status: criteria provided, single submitter. Criteria: GeneDx Variant Classification Process June 2021. Collection method: clinical testing. Allele origin: germline.
Comment: In silico analysis supports that this missense variant has a deleterious effect on protein structure/function; Has not been previously published as pathogenic or benign to our knowledge

Labcorp Genetics (formerly Invitae), Labcorp
Classification: Uncertain significance. Last evaluated: 2025-10-10. Review status: criteria provided, single submitter. Criteria: Invitae Variant Classification Sherloc (09022015). Collection method: clinical testing. Allele origin: germline.
Comment: This sequence change replaces glutamic acid, which is acidic and polar, with lysine, which is basic and polar, at codon 547 of the CAMK2B protein (p.Glu547Lys). This variant is not present in population databases (gnomAD no frequency). This variant has not been reported in the literature in individuals affected with CAMK2B-related conditions. ClinVar contains an entry for this variant (Variation ID: 2988197). An algorithm developed to predict the effect of missense changes on protein structure and function (PolyPhen-2) suggests that this variant is likely to be disruptive. In summary, the available evidence is currently insufficient to determine the role of this variant in disease. Therefore, it has been classified as a Variant of Uncertain Significance.

NM_001220.5(CAMK2B):c.1639G>A (p.Glu547Lys)

Gene: CAMK2B (calcium/calmodulin dependent protein kinase II beta; minus strand). Cytogenetic location: 7p13.
Variant type: single nucleotide variant.
Coding change: c.1639G>A on transcript NM_001220.5 (MANE Select); coding-DNA position 1639, G replaced by A.
Protein change: p.Glu547Lys; replaces glutamic acid 547 with lysine.
Molecular consequence: missense variant.
Genome position (GRCh38, 1-based): chr7:44,220,860, C>T on the plus strand (G>A on the coding strand, the complement: CAMK2B is on the minus strand). VCF-style: chr7-44220860-C-T. GRCh37 (hg19) VCF-style: chr7-44260459-C-T.
Other names: c.1267G>A, p.Glu423Lys (NM_001293170.2, NM_172078.3); c.1195G>A, p.Glu399Lys (NM_172079.3, NM_172082.3); c.1192G>A, p.Glu398Lys (NM_172080.3); c.1150G>A, p.Glu384Lys (NM_172081.3); c.1639G>A (NM_001220.4); c.1078G>A, p.Glu360Lys (NM_172083.3); c.988G>A, p.Glu330Lys (NM_172084.3); short protein forms E384K, E547K, E398K, E399K, E330K, E360K, E423K.
Identifiers: ClinVar variation 2988197 (VCV002988197.5), dbSNP rs2096393261, ClinGen allele CA367369991.